The following is an entry in ClinVar:

NM_020778.5(ALPK3):c.2550G>T (p.Met850Ile)

Gene: ALPK3 (alpha kinase 3; plus strand). Cytogenetic location: 15q25.3.
Variant type: single nucleotide variant.
Coding change: c.2550G>T on transcript NM_020778.5 (MANE Select); coding-DNA position 2550, G replaced by T.
Protein change: p.Met850Ile; replaces methionine 850 with isoleucine.
Molecular consequence: missense variant.
Genome position (GRCh38, 1-based): chr15:84,857,288, G>T. VCF-style: chr15-84857288-G-T. GRCh37 (hg19) VCF-style: chr15-85400519-G-T.
Other names: short protein forms M850I.
Identifiers: ClinVar variation 1383228 (VCV001383228.6), dbSNP rs2141568018, ClinGen allele CA393357553.

ClinVar aggregate classification (germline): Uncertain significance (1 of 4 stars; one submission).

Submission:

Labcorp Genetics (formerly Invitae), Labcorp
Classification: Uncertain significance. Last evaluated: 2022-06-13. Review status: criteria provided, single submitter. Criteria: Invitae Variant Classification Sherloc (09022015). Collection method: clinical testing. Allele origin: germline.
Comment: In summary, the available evidence is currently insufficient to determine the role of this variant in disease. Therefore, it has been classified as a Variant of Uncertain Significance. Algorithms developed to predict the effect of missense changes on protein structure and function (SIFT, PolyPhen-2, Align-GVGD) all suggest that this variant is likely to be tolerated. This variant has not been reported in the literature in individuals affected with ALPK3-related conditions. This variant is not present in population databases (gnomAD no frequency). This sequence change replaces methionine, which is neutral and non-polar, with isoleucine, which is neutral and non-polar, at codon 1052 of the ALPK3 protein (p.Met1052Ile).